The following is an entry in ClinVar:

ClinVar aggregate classification (germline): Uncertain significance (1 of 4 stars; one submission).

Conditions:
LEPR-related disorder. Also called: LEPR-related condition; LEPR-related disorders.

gnomAD v4.1: 1 of 1,572,856 alleles (0.000064%); highest among the groups gnomAD compares: Admixed American, 0.0018%; no homozygotes.

Submission:

PreventionGenetics, part of Exact Sciences
Classification: Uncertain significance for LEPR-related condition. Last evaluated: 2025-10-06. Review status: criteria provided, single submitter. Criteria: ACMG Guidelines, 2015. Collection method: clinical testing. Allele origin: germline.
Comment: The LEPR c.334G>T variant is predicted to result in the amino acid substitution p.Val112Phe. To our knowledge, this variant has not been reported in the literature or in a large population database (gnomAD), indicating this variant is rare. At this time, the clinical significance of this variant is uncertain due to the absence of conclusive functional and genetic evidence.

NM_002303.6(LEPR):c.334G>T (p.Val112Phe)

Gene: LEPR (leptin receptor; plus strand). Cytogenetic location: 1p31.3.
Variant type: single nucleotide variant.
Coding change: c.334G>T on transcript NM_002303.6 (MANE Select); coding-DNA position 334, G replaced by T.
Protein change: p.Val112Phe; replaces valine 112 with phenylalanine.
Molecular consequence: missense variant.
Genome position (GRCh38, 1-based): chr1:65,570,766, G>T. VCF-style: chr1-65570766-G-T. GRCh37 (hg19) VCF-style: chr1-66036449-G-T.
Other names: c.334G>T, p.Val112Phe (NM_001003679.3, NM_001003680.3, NM_001198687.2 and 2 more transcripts); short protein forms V112F.
Identifiers: ClinVar variation 4991926 (VCV004991926.1).